The following is an entry in ClinVar:

ClinVar aggregate classification (germline): Uncertain significance (1 of 4 stars; one submission).

Submission:

GeneDx
Classification: Uncertain significance. Last evaluated: 2024-09-06. Review status: criteria provided, single submitter. Criteria: GeneDx Variant Classification Process June 2021. Collection method: clinical testing. Allele origin: germline. Affected: yes.
Comment: Not observed at significant frequency in large population cohorts (gnomAD); In silico analysis indicates that this missense variant does not alter protein structure/function; Has not been previously published as pathogenic or benign to our knowledge

NM_024757.5(EHMT1):c.1106C>A (p.Ala369Glu)

Gene: EHMT1 (euchromatic histone lysine methyltransferase 1; plus strand). Cytogenetic location: 9q34.3.
Variant type: single nucleotide variant.
Coding change: c.1106C>A on transcript NM_024757.5 (MANE Select); coding-DNA position 1106, C replaced by A.
Protein change: p.Ala369Glu; replaces alanine 369 with glutamic acid.
Molecular consequence: missense variant.
Genome position (GRCh38, 1-based): chr9:137,744,026, C>A. VCF-style: chr9-137744026-C-A. GRCh37 (hg19) VCF-style: chr9-140638478-C-A.
Other names: c.1106C>A, p.Ala369Glu (NM_001145527.2, NM_001354611.2); c.1013C>A, p.Ala338Glu (NM_001354259.2, NM_001354612.2); c.1085C>A, p.Ala362Glu (NM_001354263.2); short protein forms A338E, A362E, A369E.
Identifiers: ClinVar variation 2429635 (VCV002429635.2), dbSNP rs1277424441, ClinGen allele CA375779695.